The following is an entry in ClinVar:

NM_004415.4(DSP):c.7607A>C (p.Lys2536Thr)

Gene: DSP (desmoplakin; plus strand). Cytogenetic location: 6p24.3.
Variant type: single nucleotide variant.
Coding change: c.7607A>C on transcript NM_004415.4 (MANE Select); coding-DNA position 7607, A replaced by C.
Protein change: p.Lys2536Thr; replaces lysine 2536 with threonine.
Molecular consequence: missense variant.
Genome position (GRCh38, 1-based): chr6:7,584,869, A>C. VCF-style: chr6-7584869-A-C. GRCh37 (hg19) VCF-style: chr6-7585102-A-C.
Other names: c.6278A>C, p.Lys2093Thr (NM_001319034.2); c.5810A>C, p.Lys1937Thr (NM_001008844.3); short protein forms K1937T, K2093T, K2536T.
Identifiers: ClinVar variation 5018228 (VCV005018228.1).

ClinVar aggregate classification (germline): Uncertain significance (1 of 4 stars; one submission).

Submission:

GeneDx
Classification: Uncertain significance. Last evaluated: 2026-04-09. Review status: criteria provided, single submitter. Criteria: GeneDx Variant Classification Process June 2021. Collection method: clinical testing. Allele origin: germline.
Comment: Not observed at significant frequency in large population cohorts (gnomAD); In silico analysis supports that this missense variant has a deleterious effect on protein structure/function; Has not been previously published as pathogenic or benign to our knowledge